The following is an entry in ClinVar:

ClinVar aggregate classification (germline): Uncertain significance (1 of 4 stars; one submission).

Conditions:
Neurofibromatosis, type 1 (NF1). Also called: NEUROFIBROMATOSIS, TYPE I, SOMATIC; Neurofibromatosis, type I; Peripheral type neurofibromatosis; VON RECKLINGHAUSEN DISEASE. Identifiers: Orphanet 636, MedGen C0027831, MONDO:0018975, OMIM 162200. Disease mechanism: loss of function.

Submission:

Labcorp Genetics (formerly Invitae), Labcorp
Classification: Uncertain significance for Neurofibromatosis, type 1. Last evaluated: 2022-06-13. Review status: criteria provided, single submitter. Criteria: Invitae Variant Classification Sherloc (09022015). Collection method: clinical testing. Allele origin: germline.
Comment: In summary, the available evidence is currently insufficient to determine the role of this variant in disease. Therefore, it has been classified as a Variant of Uncertain Significance. Advanced modeling of protein sequence and biophysical properties (such as structural, functional, and spatial information, amino acid conservation, physicochemical variation, residue mobility, and thermodynamic stability) performed at Invitae indicates that this missense variant is expected to disrupt NF1 protein function. This variant has not been reported in the literature in individuals affected with NF1-related conditions. This variant is not present in population databases (gnomAD no frequency). This sequence change replaces phenylalanine, which is neutral and non-polar, with leucine, which is neutral and non-polar, at codon 1319 of the NF1 protein (p.Phe1319Leu).

NM_001042492.3(NF1):c.3957T>G (p.Phe1319Leu)

Gene: NF1 (neurofibromin 1; plus strand). Cytogenetic location: 17q11.2.
Variant type: single nucleotide variant.
Coding change: c.3957T>G on transcript NM_001042492.3 (MANE Select); coding-DNA position 3957, T replaced by G.
Protein change: p.Phe1319Leu; replaces phenylalanine 1319 with leucine.
Molecular consequence: missense variant.
Genome position (GRCh38, 1-based): chr17:31,236,004, T>G. VCF-style: chr17-31236004-T-G. GRCh37 (hg19) VCF-style: chr17-29563022-T-G.
Other names: c.3957T>G, p.Phe1319Leu (NM_000267.4); short protein forms F1319L.
Identifiers: ClinVar variation 2118873 (VCV002118873.4), dbSNP rs2508265188, ClinGen allele CA398993292.
Genomic context (GRCh38, chr17:31,236,004, plus strand): 5'-ACTCCTGGATCCTTTATTACGAATTGTGATCACATCCTCTGATTGGCAACATGTTAGCTT[T>G]GAAGTGGATCCTACCAGGTTTGTCATCTTTTCACATAGAACCGCTGTTTTTTGTTTTTTT-3'
Protein context (NP_001035957.1, residues 1309-1329): ITSSDWQHVS[Phe1319Leu]EVDPTRLEPS